The following is an entry in ClinVar:

NM_198428.3(BBS9):c.385C>T (p.His129Tyr)

Gene: BBS9 (Bardet-Biedl syndrome 9; plus strand). Cytogenetic location: 7p14.3.
Variant type: single nucleotide variant.
Coding change: c.385C>T on transcript NM_198428.3 (MANE Select); coding-DNA position 385, C replaced by T.
Protein change: p.His129Tyr; replaces histidine 129 with tyrosine.
Molecular consequence: missense variant. On other transcripts: non-coding transcript variant (3).
Genome position (GRCh38, 1-based): chr7:33,177,534, C>T. VCF-style: chr7-33177534-C-T. GRCh37 (hg19) VCF-style: chr7-33217146-C-T.
Other names: c.385C>T, p.His129Tyr (NM_001033605.2, NM_001348036.1, NM_001348040.3 and 5 more transcripts); c.19C>T, p.His7Tyr (NM_001348037.3, NM_001348044.3, NM_001348045.3 and 1 more transcripts); c.112C>T, p.His38Tyr (NM_001348038.3, NM_001348039.3); c.250C>T, p.His84Tyr (NM_001348042.3); short protein forms H129Y, H84Y, H7Y, H38Y.
Identifiers: ClinVar variation 360061 (VCV000360061.9), dbSNP rs886062284, ClinGen allele CA10626025.

ClinVar aggregate classification (germline): Uncertain significance. Review status: criteria provided, multiple submitters, no conflicts (2 of 4 stars). 2 submissions from 2 submitters: Uncertain significance (2). Last evaluated 2022-03-05.

Conditions:
Bardet-Biedl syndrome (BBS). Identifiers: Orphanet 110, MedGen C0752166, MONDO:0015229.
Bardet-Biedl syndrome 9 (BBS9). Identifiers: Orphanet 110, MedGen C1859567, MONDO:0014437, OMIM 615986.

Allele frequency attached by ClinVar (database versions not stated): gnomAD exomes below 0.00001.
gnomAD v4.1: 6 of 1,611,988 alleles (0.00037%); highest among the groups gnomAD compares: South Asian, 0.0044%; no homozygotes.

Submissions (2):

Labcorp Genetics (formerly Invitae), Labcorp
Classification: Uncertain significance for Bardet-Biedl syndrome. Last evaluated: 2022-03-05. Review status: criteria provided, single submitter. Criteria: Invitae Variant Classification Sherloc (09022015). Collection method: clinical testing. Allele origin: germline.
Comment: In summary, the available evidence is currently insufficient to determine the role of this variant in disease. Therefore, it has been classified as a Variant of Uncertain Significance. Algorithms developed to predict the effect of missense changes on protein structure and function (SIFT, PolyPhen-2, Align-GVGD) all suggest that this variant is likely to be disruptive. ClinVar contains an entry for this variant (Variation ID: 360061). This variant has not been reported in the literature in individuals affected with BBS9-related conditions. This variant is not present in population databases (gnomAD no frequency). This sequence change replaces histidine, which is basic and polar, with tyrosine, which is neutral and polar, at codon 129 of the BBS9 protein (p.His129Tyr).

Illumina Laboratory Services, Illumina
Classification: Uncertain significance for Bardet-Biedl syndrome 9. Last evaluated: 2018-01-13. Review status: criteria provided, single submitter. Criteria: ICSL Variant Classification Criteria 13 December 2019. Collection method: clinical testing. Allele origin: germline.